The following is an entry in ClinVar:

ClinVar aggregate classification (germline): Uncertain significance. Review status: criteria provided, multiple submitters, no conflicts (2 of 4 stars). 2 submissions from 2 submitters: Uncertain significance (2). Last evaluated 2023-12-26.

Conditions:
Inborn genetic diseases. Identifiers: MedGen C0950123, MeSH D030342.

Allele frequency attached by ClinVar (database versions not stated): gnomAD exomes 0.00001; ExAC 0.00002; gnomAD 0.00003; TOPMed 0.00006.
gnomAD v4.1: 14 of 1,614,008 alleles (0.00087%); highest among the groups gnomAD compares: African/African-American, 0.017%; no homozygotes.

Submissions (2):

Ambry Genetics
Classification: Uncertain significance for Inborn genetic diseases. Last evaluated: 2023-12-26. Review status: criteria provided, single submitter. Criteria: Ambry Variant Classification Scheme 2023. Collection method: clinical testing. Allele origin: germline.

Labcorp Genetics (formerly Invitae), Labcorp
Classification: Uncertain significance. Last evaluated: 2023-12-17. Review status: criteria provided, single submitter. Criteria: Invitae Variant Classification Sherloc (09022015). Collection method: clinical testing. Allele origin: germline.
Comment: This sequence change replaces glycine, which is neutral and non-polar, with arginine, which is basic and polar, at codon 204 of the TYRP1 protein (p.Gly204Arg). This variant is present in population databases (rs747926709, gnomAD 0.02%). This variant has not been reported in the literature in individuals affected with TYRP1-related conditions. ClinVar contains an entry for this variant (Variation ID: 1917219). Advanced modeling of protein sequence and biophysical properties (such as structural, functional, and spatial information, amino acid conservation, physicochemical variation, residue mobility, and thermodynamic stability) performed at Invitae indicates that this missense variant is expected to disrupt TYRP1 protein function with a positive predictive value of 80%. In summary, the available evidence is currently insufficient to determine the role of this variant in disease. Therefore, it has been classified as a Variant of Uncertain Significance.

NM_000550.3(TYRP1):c.610G>A (p.Gly204Arg)

Gene: TYRP1 (tyrosinase related protein 1; plus strand). Cytogenetic location: 9p23.
Variant type: single nucleotide variant.
Coding change: c.610G>A on transcript NM_000550.3 (MANE Select); coding-DNA position 610, G replaced by A.
Protein change: p.Gly204Arg; replaces glycine 204 with arginine.
Molecular consequence: missense variant.
Genome position (GRCh38, 1-based): chr9:12,695,739, G>A. VCF-style: chr9-12695739-G-A. GRCh37 (hg19) VCF-style: chr9-12695739-G-A.
Other names: c.610G>A (NM_000550.2); short protein forms G204R.
Identifiers: ClinVar variation 1917219 (VCV001917219.4), dbSNP rs747926709, ClinGen allele CA4985266.